The following is an entry in ClinVar:

NM_022051.3(EGLN1):c.494del (p.Pro165fs)

Gene: EGLN1 (egl-9 family hypoxia inducible factor 1; minus strand). Cytogenetic location: 1q42.2.
Variant type: Deletion.
Coding change: c.494del on transcript NM_022051.3 (MANE Select); coding-DNA position 494, one base deleted (C; older notation c.494delC).
Protein change: p.Pro165fs; shifts the reading frame from proline 165.
Molecular consequence: frameshift variant.
Genome position (GRCh38, 1-based): chr1:231,421,395, G deleted on the plus strand (C on the coding strand, the reverse complement: EGLN1 is on the minus strand); the first of 6 consecutive G bases (chr1:231,421,395-231,421,400); deleting any one gives the same sequence. VCF-style (leftmost placement, unchanged base first): chr1-231421394-TG-T. GRCh37 (hg19) VCF-style: chr1-231557140-TG-T.
Other names: c.494del, p.Pro165fs (NM_001377260.1, NM_001377261.1); short protein forms P165fs.
Identifiers: ClinVar variation 2864415 (VCV002864415.3), dbSNP rs1656591590, ClinGen allele CA1013286362.

ClinVar aggregate classification (germline): Pathogenic (1 of 4 stars; one submission).

Conditions:
Erythrocytosis, familial, 3 (ECYT3). Identifiers: Orphanet 247511, MedGen C1853286, MONDO:0012353, OMIM 609820.

Submission:

Labcorp Genetics (formerly Invitae), Labcorp
Classification: Pathogenic for Erythrocytosis, familial, 3. Last evaluated: 2025-05-11. Review status: criteria provided, single submitter. Criteria: Invitae Variant Classification Sherloc (09022015). Collection method: clinical testing. Allele origin: germline.
Comment: This sequence change creates a premature translational stop signal (p.Pro165Glnfs*9) in the EGLN1 gene. It is expected to result in an absent or disrupted protein product. Loss-of-function variants in EGLN1 are known to be pathogenic (PMID: 17933562, 21933857). This variant is not present in population databases (gnomAD no frequency). This premature translational stop signal has been observed in individual(s) with erythrocytosis (PMID: 29790589). ClinVar contains an entry for this variant (Variation ID: 2864415). For these reasons, this variant has been classified as Pathogenic.

Literature cited by the submitters: PubMed 17933562; PubMed 21933857; PubMed 29790589.